The following is an entry in ClinVar:

NM_018451.5(CPAP):c.3276C>G (p.Tyr1092Ter)

Gene: CPAP (centrosome assembly and centriole elongation protein; minus strand). Cytogenetic location: 13q12.12.
Variant type: single nucleotide variant.
Coding change: c.3276C>G on transcript NM_018451.5 (MANE Select); coding-DNA position 3276, C replaced by G.
Protein change: p.Tyr1092Ter; replaces tyrosine 1092 with a stop codon.
Molecular consequence: nonsense. On other transcripts: non-coding transcript variant (1).
Genome position (GRCh38, 1-based): chr13:24,889,341, G>C on the plus strand (C>G on the coding strand, the complement: CPAP is on the minus strand). VCF-style: chr13-24889341-G-C. GRCh37 (hg19) VCF-style: chr13-25463479-G-C.
Other names: short protein forms Y1092*.
Identifiers: ClinVar variation 2776677 (VCV002776677.3), dbSNP rs1566280414, ClinGen allele CA387579458.

ClinVar aggregate classification (germline): Pathogenic (1 of 4 stars; one submission).

gnomAD v4.1: 1 of 1,611,452 alleles (0.000062%); highest among the groups gnomAD compares: African/African-American, 0.0013%; no homozygotes.

Submission:

Labcorp Genetics (formerly Invitae), Labcorp
Classification: Pathogenic. Last evaluated: 2023-04-26. Review status: criteria provided, single submitter. Criteria: Invitae Variant Classification Sherloc (09022015). Collection method: clinical testing. Allele origin: germline.
Comment: For these reasons, this variant has been classified as Pathogenic. This variant has not been reported in the literature in individuals affected with CENPJ-related conditions. This variant is present in population databases (no rsID available, gnomAD 0.007%). This sequence change creates a premature translational stop signal (p.Tyr1092*) in the CENPJ gene. It is expected to result in an absent or disrupted protein product. Loss-of-function variants in CENPJ are known to be pathogenic (PMID: 15793586, 16900296, 20522431).

Literature cited by the submitters: PubMed 15793586; PubMed 16900296; PubMed 20522431.